The following is an entry in ClinVar:

NM_201384.3(PLEC):c.11597G>A (p.Arg3866His)

Gene: PLEC (plectin; minus strand). Cytogenetic location: 8q24.3.
Variant type: single nucleotide variant.
Coding change: c.11597G>A on transcript NM_201384.3 (MANE Select); coding-DNA position 11597, G replaced by A.
Protein change: p.Arg3866His; replaces arginine 3866 with histidine.
Molecular consequence: missense variant.
Genome position (GRCh38, 1-based): chr8:143,918,224, C>T on the plus strand (G>A on the coding strand, the complement: PLEC is on the minus strand). VCF-style: chr8-143918224-C-T. GRCh37 (hg19) VCF-style: chr8-144992392-C-T.
Other names: p.Arg3893His; c.11678G>A, p.Arg3893His (NM_000445.5); c.11555G>A, p.Arg3852His (NM_201378.4); c.11531G>A, p.Arg3844His (NM_201379.3); c.12008G>A, p.Arg4003His (NM_201380.4); c.11501G>A, p.Arg3834His (NM_201381.3); c.11597G>A, p.Arg3866His (NM_201382.4); c.11609G>A, p.Arg3870His (NM_201383.3); short protein forms R3834H, R3852H, R3870H, R3844H, R3866H, R4003H, R3893H.
Identifiers: ClinVar variation 471522 (VCV000471522.28), dbSNP rs377150241, ClinGen allele CA4924299.

ClinVar aggregate classification (germline): Conflicting classifications of pathogenicity. Review status: criteria provided, conflicting classifications (1 of 4 stars). 7 submissions from 7 submitters: Uncertain significance (6); Likely benign (1). Last evaluated 2026-09-10.

Conditions:
PLEC-related disorder. Also called: PLEC-related disorders; PLEC-related condition.
Autosomal recessive limb-girdle muscular dystrophy type 2Q (LGMDR17). Also called: MUSCULAR DYSTROPHY, LIMB-GIRDLE, AUTOSOMAL RECESSIVE 17. Identifiers: Orphanet 254361, MedGen C3150989, MONDO:0013390, OMIM 613723.
Epidermolysis bullosa simplex with nail dystrophy (EBS5D). Identifiers: MedGen C4225309, MONDO:0014661, OMIM 616487.
Epidermolysis bullosa simplex 5C, with pyloric atresia (EBS5C). Also called: PLEC-Related Epidermolysis Bullosa with Pyloric Atresia; Epidermolysis bullosa simplex with pyloric atresia; PLEC1-Related Epidermolysis Bullosa with Pyloric Atresia. Identifiers: Orphanet 158684, MedGen C2677349, MONDO:0012807, OMIM 612138.
Epidermolysis bullosa simplex, Ogna type (EBS5A). Also called: Pidermolysis bullosa simplex 5A, Ogna type; EPIDERMOLYSIS BULLOSA SIMPLEX 5A, OGNA TYPE. Identifiers: Orphanet 79401, MedGen C0432317, MONDO:0007555, OMIM 131950.
Epidermolysis bullosa simplex 5B, with muscular dystrophy (EBS5B). Also called: EPIDERMOLYSIS BULLOSA SIMPLEX AND LIMB-GIRDLE MUSCULAR DYSTROPHY; Epidermolysis bullosa simplex with muscular dystrophy. Identifiers: Orphanet 257, MedGen C2931072, MONDO:0009181, OMIM 226670.
Inborn genetic diseases. Identifiers: MedGen C0950123, MeSH D030342.

Allele frequency attached by ClinVar (database versions not stated): gnomAD 0.00014 and 0.00015; ESP Exome Variant Server 0.00017; TOPMed 0.00017.
gnomAD v4.1: 615 of 1,580,740 alleles (0.039%); highest among the groups gnomAD compares: Non-Finnish European, 0.048%; no homozygotes.

Submissions (7):

PreventionGenetics, part of Exact Sciences
Classification: Uncertain significance for PLEC-related condition. Last evaluated: 2026-09-10. Review status: criteria provided, single submitter. Criteria: ACMG Guidelines, 2015. Collection method: clinical testing. Allele origin: germline.
Comment: The PLEC c.11678G>A variant is predicted to result in the amino acid substitution p.Arg3893His. To our knowledge, this variant has not been reported in the literature. This variant is reported in 0.040% of alleles in individuals of European (Non-Finnish) descent in gnomAD. At this time, the clinical significance of this variant is uncertain due to the absence of conclusive functional and genetic evidence.

Labcorp Genetics (formerly Invitae), Labcorp
Classification: Uncertain significance for Autosomal recessive limb-girdle muscular dystrophy type 2Q; Epidermolysis bullosa simplex, Ogna type; Epidermolysis bullosa simplex with nail dystrophy; Epidermolysis bullosa simplex 5C, with pyloric atresia; Epidermolysis bullosa simplex 5B, with muscular dystrophy. Last evaluated: 2025-12-22. Review status: criteria provided, single submitter. Criteria: Invitae Variant Classification Sherloc (09022015). Collection method: clinical testing. Allele origin: germline.
Comment: This sequence change replaces arginine, which is basic and polar, with histidine, which is basic and polar, at codon 3893 of the PLEC protein (p.Arg3893His). This variant is present in population databases (rs377150241, gnomAD 0.04%). This variant has not been reported in the literature in individuals affected with PLEC-related conditions. ClinVar contains an entry for this variant (Variation ID: 471522). An algorithm developed to predict the effect of missense changes on protein structure and function (PolyPhen-2) suggests that this variant is likely to be tolerated. In summary, the available evidence is currently insufficient to determine the role of this variant in disease. Therefore, it has been classified as a Variant of Uncertain Significance.

Ambry Genetics
Classification: Uncertain significance for Inborn genetic diseases. Last evaluated: 2025-11-19. Review status: criteria provided, single submitter. Criteria: Ambry Variant Classification Scheme 2023. Collection method: clinical testing. Allele origin: germline.

Revvity Omics, Revvity
Classification: Uncertain significance. Last evaluated: 2025-08-08. Review status: criteria provided, single submitter. Criteria: ACMG Guidelines, 2015. Collection method: clinical testing. Allele origin: germline.

Mayo Clinic Laboratories, Mayo Clinic
Classification: Uncertain significance. Last evaluated: 2022-06-24. Review status: criteria provided, single submitter. Criteria: ACMG Guidelines, 2015. Collection method: clinical testing. Allele origin: germline. Observed: 1 variant allele.
Comment: BP4

GeneDx
Classification: Likely benign. Last evaluated: 2018-03-20. Review status: criteria provided, single submitter. Criteria: GeneDx Variant Classification (06012015). Collection method: clinical testing. Allele origin: germline. Affected: yes.
Comment: This variant is considered likely benign or benign based on one or more of the following criteria: it is a conservative change, it occurs at a poorly conserved position in the protein, it is predicted to be benign by multiple in silico algorithms, and/or has population frequency not consistent with disease.

Eurofins Ntd Llc (ga)
Classification: Uncertain significance. Last evaluated: 2018-02-02. Review status: criteria provided, single submitter. Criteria: EGL Classification Definitions 2015. Collection method: clinical testing. Allele origin: germline. Observed: 2 variant alleles, 2 heterozygotes.